The following is an entry in ClinVar:

ClinVar aggregate classification (germline): Likely pathogenic (1 of 4 stars; one submission).

Conditions:
Cerebral cavernous malformation (CCM). Also called: CAVERNOUS ANGIOMA, FAMILIAL; CAVERNOUS ANGIOMATOUS MALFORMATIONS; Cerebral cavernous hemangioma (type); Cerebral cavernous malformations; Cavernous Hemangioma of Brain; CEREBRAL CAPILLARY MALFORMATIONS. Identifiers: Orphanet 221061, MedGen C2919945, MONDO:0000820, OMIM 116860, HP:0033522.

Submission:

3billion
Classification: Likely pathogenic for Cerebral cavernous malformation. Last evaluated: 2024-02-05. Review status: criteria provided, single submitter. Criteria: ACMG Guidelines, 2015. Collection method: clinical testing. Allele origin: germline. Affected: yes.
Comment: The variant is not observed in the gnomAD v2.1.1 dataset. Predicted Consequence/Location: Stop-gained (nonsense): predicted to result in a loss or disruption of normal protein function through nonsense-mediated decay (NMD) or protein truncation. Multiple pathogenic variants are reported downstream of the variant. Therefore, this variant is classified as Likely pathogenic according to the recommendation of ACMG/AMP guideline.

NM_194454.3(KRIT1):c.1648A>T (p.Lys550Ter)

Gene: KRIT1 (KRIT1 ankyrin repeat containing; minus strand). Cytogenetic location: 7q21.2.
Variant type: single nucleotide variant.
Coding change: c.1648A>T on transcript NM_194454.3 (MANE Select); coding-DNA position 1648, A replaced by T.
Protein change: p.Lys550Ter; replaces lysine 550 with a stop codon.
Molecular consequence: nonsense.
Genome position (GRCh38, 1-based): chr7:92,214,693, T>A on the plus strand (A>T on the coding strand, the complement: KRIT1 is on the minus strand). VCF-style: chr7-92214693-T-A. GRCh37 (hg19) VCF-style: chr7-91844007-T-A.
Other names: c.1504A>T, p.Lys502Ter (NM_001013406.2, NM_001350669.1, NM_001350670.1); c.934A>T, p.Lys312Ter (NM_001350671.1); c.1648A>T, p.Lys550Ter (NM_001350672.1, NM_001350673.1, NM_001350674.1 and 26 more transcripts); short protein forms K312*, K502*, K550*.
Identifiers: ClinVar variation 3775275 (VCV003775275.1).